The following is an entry in ClinVar:

ClinVar aggregate classification (germline): Conflicting classifications of pathogenicity. Review status: criteria provided, conflicting classifications (1 of 4 stars). 3 submissions from 3 submitters: Uncertain significance (1); Likely benign (2). Last evaluated 2026-01-26.

Conditions:
Hereditary pulmonary alveolar proteinosis. Also called: Pulmonary surfactant metabolism dysfunction. Identifiers: Orphanet 264675, MedGen C3711368, MONDO:0012580.
Interstitial lung disease due to ABCA3 deficiency. Also called: PULMONARY ALVEOLAR PROTEINOSIS, CONGENITAL, 3. Identifiers: Orphanet 440402, MedGen C1970456, MONDO:0012582, OMIM 610921.

Allele frequency attached by ClinVar (database versions not stated): gnomAD exomes 0.00011 and 0.00020; ExAC 0.00034; gnomAD 0.00071 and 0.00083; 1000 Genomes Project 30x 0.00078; TOPMed 0.00090; 1000 Genomes Project 0.00100; ESP Exome Variant Server 0.00100.
gnomAD v4.1: 263 of 1,611,346 alleles (0.016%); highest among the groups gnomAD compares: African/African-American, 0.33%; no homozygotes.

Submissions (3):

Labcorp Genetics (formerly Invitae), Labcorp
Classification: Likely benign. Last evaluated: 2026-01-26. Review status: criteria provided, single submitter. Criteria: Invitae Variant Classification Sherloc (09022015). Collection method: clinical testing. Allele origin: germline.

Ambry Genetics
Classification: Likely benign for Hereditary pulmonary alveolar proteinosis. Last evaluated: 2026-01-13. Review status: criteria provided, single submitter. Criteria: Ambry Variant Classification Scheme 2023. Collection method: clinical testing. Allele origin: germline.

Johns Hopkins Genomics, Johns Hopkins University
Classification: Uncertain significance for Interstitial lung disease due to ABCA3 deficiency. Last evaluated: 2019-12-06. Review status: criteria provided, single submitter. Criteria: ACMG Guidelines, 2015. Collection method: clinical testing. Allele origin: germline.
Comment: ABCA3 c.5C>A has not been reported in ClinVar nor the literature, to our knowledge. This variant (rs148662935) has been identified in a large population dataset and the minor allele frequency is neither low enough to consider the variant rare (<0.1%) nor high enough to consider it a population polymorphism (>1%) within the African subpopulation (gnomAD: 73/24134 alleles; 0.3025%, no homozygotes). Of three bioinformatics tools queried, one predicts that the substitution would be damaging, while two predict that it would be tolerated. Additionally, the alanine residue at this position is evolutionarily conserved across primates and most high-order species assessed6. Bioinformatic analysis predicts that this missense variant would not affect normal exon 4 splicing, although this has not been confirmed experimentally to our knowledge. Due to lack of functional data, we consider the clinical significance of c.5C>A to be uncertain at this time.

NM_001089.3(ABCA3):c.5C>A (p.Ala2Asp)

Gene: ABCA3 (ATP binding cassette subfamily A member 3; minus strand). Cytogenetic location: 16p13.3.
Variant type: single nucleotide variant.
Coding change: c.5C>A on transcript NM_001089.3 (MANE Select); coding-DNA position 5, C replaced by A.
Protein change: p.Ala2Asp; replaces alanine 2 with aspartic acid.
Molecular consequence: missense variant.
Genome position (GRCh38, 1-based): chr16:2,326,462, G>T on the plus strand (C>A on the coding strand, the complement: ABCA3 is on the minus strand). VCF-style: chr16-2326462-G-T. GRCh37 (hg19) VCF-style: chr16-2376463-G-T.
Other names: short protein forms A2D.
Identifiers: ClinVar variation 737671 (VCV000737671.12), dbSNP rs148662935, ClinGen allele CA7841831.